The following is an entry in ClinVar:

NM_177438.3(DICER1):c.2154G>T (p.Glu718Asp)

Gene: DICER1 (dicer 1, ribonuclease III; minus strand). Cytogenetic location: 14q32.13.
Variant type: single nucleotide variant.
Coding change: c.2154G>T on transcript NM_177438.3 (MANE Select); coding-DNA position 2154, G replaced by T.
Protein change: p.Glu718Asp; replaces glutamic acid 718 with aspartic acid.
Molecular consequence: missense variant.
Genome position (GRCh38, 1-based): chr14:95,111,419, C>A on the plus strand (G>T on the coding strand, the complement: DICER1 is on the minus strand). VCF-style: chr14-95111419-C-A. GRCh37 (hg19) VCF-style: chr14-95577756-C-A.
Other names: c.2154G>T, p.Glu718Asp (NM_001195573.1, NM_001271282.3, NM_001291628.2 and 1 more transcripts); short protein forms E718D.
Identifiers: ClinVar variation 959265 (VCV000959265.11), dbSNP rs1555371628, ClinGen allele CA390882808.

ClinVar aggregate classification (germline): Uncertain significance (1 of 4 stars; one submission).

Conditions:
DICER1-related tumor predisposition. Also called: DICER1 syndrome; DICER1-related pleuropulmonary blastoma cancer predisposition syndrome. Identifiers: Orphanet 284343, MedGen C3839822, MONDO:0100216.

Submission:

Labcorp Genetics (formerly Invitae), Labcorp
Classification: Uncertain significance for DICER1-related tumor predisposition. Last evaluated: 2022-01-12. Review status: criteria provided, single submitter. Criteria: Invitae Variant Classification Sherloc (09022015). Collection method: clinical testing. Allele origin: germline.
Comment: In summary, the available evidence is currently insufficient to determine the role of this variant in disease. Therefore, it has been classified as a Variant of Uncertain Significance. Algorithms developed to predict the effect of missense changes on protein structure and function (SIFT, PolyPhen-2, Align-GVGD) all suggest that this variant is likely to be disruptive. ClinVar contains an entry for this variant (Variation ID: 959265). This variant has not been reported in the literature in individuals affected with DICER1-related conditions. This variant is not present in population databases (gnomAD no frequency). This sequence change replaces glutamic acid, which is acidic and polar, with aspartic acid, which is acidic and polar, at codon 718 of the DICER1 protein (p.Glu718Asp).